The following is an entry in ClinVar:

NM_000301.5(PLG):c.554G>A (p.Cys185Tyr)

Gene: PLG (plasminogen; plus strand). Cytogenetic location: 6q26.
Variant type: single nucleotide variant.
Coding change: c.554G>A on transcript NM_000301.5 (MANE Select); coding-DNA position 554, G replaced by A.
Protein change: p.Cys185Tyr; replaces cysteine 185 with tyrosine.
Molecular consequence: missense variant.
Genome position (GRCh38, 1-based): chr6:160,714,800, G>A. VCF-style: chr6-160714800-G-A. GRCh37 (hg19) VCF-style: chr6-161135832-G-A.
Other names: short protein forms C185Y.
Identifiers: ClinVar variation 2573388 (VCV002573388.1), dbSNP rs2484336820, ClinGen allele CA366361937.

ClinVar aggregate classification (germline): Uncertain significance (1 of 4 stars; one submission).

Submission:

Women's Health and Genetics/Laboratory Corporation of America, LabCorp
Classification: Uncertain significance. Last evaluated: 2023-06-29. Review status: criteria provided, single submitter. Criteria: LabCorp Variant Classification Summary - May 2015. Collection method: clinical testing. Allele origin: germline.
Comment: Variant summary: PLG c.554G>A (p.Cys185Tyr) results in a non-conservative amino acid change located in the Kringle domain (IPR000001) of the encoded protein sequence. Five of five in-silico tools predict a damaging effect of the variant on protein function. The variant was absent in 251294 control chromosomes. The available data on variant occurrences in the general population are insufficient to allow any conclusion about variant significance. c.554G>A has been reported in the literature in at least one compound heterozygous individual affected with Plasminogen Deficiency (example: Klammt_2011). These data do not allow any conclusion about variant significance. To our knowledge, no experimental evidence demonstrating an impact on protein function has been reported. The following publication has been ascertained in the context of this evaluation (PMID: 21174000). No submitters have cited clinical-significance assessments for this variant to ClinVar after 2014. Based on the evidence outlined above, the variant was classified as uncertain significance.

Literature cited by the submitters: PubMed 21174000.